The following is an entry in ClinVar:

NM_001142800.2(EYS):c.-156A>G

Gene: EYS (EGF-like photoreceptor maintenance factor; minus strand). Cytogenetic location: 6q12.
Variant type: single nucleotide variant.
Coding change: c.-156A>G on transcript NM_001142800.2 (MANE Select); 156 bases upstream of the start codon, A replaced by G.
Molecular consequence: 5 prime UTR variant.
Genome position (GRCh38, 1-based): chr6:65,495,566, T>C on the plus strand (A>G on the coding strand, the complement: EYS is on the minus strand). VCF-style: chr6-65495566-T-C. GRCh37 (hg19) VCF-style: chr6-66205459-T-C.
Other names: c.-156A>G (NM_001142801.2, NM_001292009.2, NM_198283.2).
Identifiers: ClinVar variation 1372384 (VCV001372384.6), dbSNP rs1766228932, ClinGen allele CA1634249850.
Genomic context (GRCh38, chr6:65,495,566, plus strand): 5'-GGATTCCTGGGAATTGGAATTGACCTTTTTTCTATACCCAAAGTAGCTTTGATGACAATG[T>C]GCTTTGATGGAGAAACAGGAATTCAAATGTTGTAAATATTCCTTTAAACAGAAAAAAACA-3'

ClinVar aggregate classification (germline): Uncertain significance (1 of 4 stars; one submission).

Allele frequency attached by ClinVar (database versions not stated): gnomAD exomes below 0.00001.
gnomAD v4.1: 2 of 678,788 alleles (0.00029%); highest among the groups gnomAD compares: East Asian, 0.0054%; no homozygotes.

Submission:

Labcorp Genetics (formerly Invitae), Labcorp
Classification: Uncertain significance. Last evaluated: 2021-08-10. Review status: criteria provided, single submitter. Criteria: Invitae Variant Classification Sherloc (09022015). Collection method: clinical testing. Allele origin: germline.
Comment: In summary, the available evidence is currently insufficient to determine the role of this variant in disease. Therefore, it has been classified as a Variant of Uncertain Significance. Experimental studies and prediction algorithms are not available or were not evaluated, and the functional significance of this variant is currently unknown. This variant has not been reported in the literature in individuals affected with EYS-related conditions. The frequency data for this variant in the population databases is considered unreliable, as metrics indicate insufficient coverage at this position in the ExAC database. This variant occurs in a non-coding region of the EYS gene. It does not change the encoded amino acid sequence of the EYS protein.